The following is an entry in ClinVar:

NC_000022.10:g.(?_41865151)_(41865206_?)del

Gene: ACO2 (aconitase 2; plus strand). Cytogenetic location: 22q13.2.
Variant type: Deletion.
Identifiers: ClinVar variation 2423682 (VCV002423682.4).

ClinVar aggregate classification (germline): Pathogenic (1 of 4 stars; one submission).

Submission:

Labcorp Genetics (formerly Invitae), Labcorp
Classification: Pathogenic. Last evaluated: 2022-10-08. Review status: criteria provided, single submitter. Criteria: Invitae Variant Classification Sherloc (09022015). Collection method: clinical testing. Allele origin: germline.
Comment: For these reasons, this variant has been classified as Pathogenic. This variant has not been reported in the literature in individuals affected with ACO2-related conditions. This variant is a gross deletion of the genomic region encompassing exon(s) 1 of the ACO2 gene, which includes the initiator codon. This deletion extends beyond the assayed region for this gene and therefore may encompass additional genes. It is expected to result in an absent or disrupted protein product. Loss-of-function variants in ACO2 are known to be pathogenic (PMID: 30689204, 32519519).

Literature cited by the submitters: PubMed 30689204; PubMed 32519519.